The following is an entry in ClinVar:

ClinVar aggregate classification (germline): Uncertain significance. Review status: criteria provided, multiple submitters, no conflicts (2 of 4 stars). 2 submissions from 2 submitters: Uncertain significance (2). Last evaluated 2025-05-31.

Conditions:
Inborn genetic diseases. Identifiers: MedGen C0950123, MeSH D030342.
Mosaic variegated aneuploidy syndrome 1 (MVA1). Also called: Warburton-Anyane-Yeboa syndrome. Identifiers: Orphanet 1052, MedGen C1850343, MONDO:0009759, OMIM 257300.

Allele frequency attached by ClinVar (database versions not stated): gnomAD exomes below 0.00001; gnomAD 0.00001; TOPMed 0.00001.
gnomAD v4.1: 2 of 1,613,856 alleles (0.00012%); highest among the groups gnomAD compares: Admixed American, 0.0033%; no homozygotes.

Submissions (2):

Ambry Genetics
Classification: Uncertain significance for Inborn genetic diseases. Last evaluated: 2025-05-31. Review status: criteria provided, single submitter. Criteria: Ambry Variant Classification Scheme 2023. Collection method: clinical testing. Allele origin: germline.
Comment: The p.Y853H variant (also known as c.2557T>C), located in coding exon 20 of the BUB1B gene, results from a T to C substitution at nucleotide position 2557. The tyrosine at codon 853 is replaced by histidine, an amino acid with similar properties. This amino acid position is conserved. In addition, this alteration is predicted to be tolerated by in silico analysis. Since supporting evidence is limited at this time, the clinical significance of this alteration remains unclear.

Labcorp Genetics (formerly Invitae), Labcorp
Classification: Uncertain significance for Mosaic variegated aneuploidy syndrome 1. Last evaluated: 2022-05-12. Review status: criteria provided, single submitter. Criteria: Invitae Variant Classification Sherloc (09022015). Collection method: clinical testing. Allele origin: germline.
Comment: This variant is present in population databases (no rsID available, gnomAD no frequency). This sequence change replaces tyrosine, which is neutral and polar, with histidine, which is basic and polar, at codon 853 of the BUB1B protein (p.Tyr853His). This variant has not been reported in the literature in individuals affected with BUB1B-related conditions. In summary, the available evidence is currently insufficient to determine the role of this variant in disease. Therefore, it has been classified as a Variant of Uncertain Significance. Algorithms developed to predict the effect of missense changes on protein structure and function (SIFT, PolyPhen-2, Align-GVGD) all suggest that this variant is likely to be tolerated. ClinVar contains an entry for this variant (Variation ID: 533912).

NM_001211.6(BUB1B):c.2557T>C (p.Tyr853His)

Gene: BUB1B (BUB1 mitotic checkpoint serine/threonine kinase B; plus strand). Cytogenetic location: 15q15.1.
Variant type: single nucleotide variant.
Coding change: c.2557T>C on transcript NM_001211.6 (MANE Select); coding-DNA position 2557, T replaced by C.
Protein change: p.Tyr853His; replaces tyrosine 853 with histidine.
Molecular consequence: missense variant.
Genome position (GRCh38, 1-based): chr15:40,213,353, T>C. VCF-style: chr15-40213353-T-C. GRCh37 (hg19) VCF-style: chr15-40505554-T-C.
Other names: short protein forms Y853H.
Identifiers: ClinVar variation 533912 (VCV000533912.13), dbSNP rs1264165576, ClinGen allele CA391685994.
Genomic context (GRCh38, chr15:40,213,353, plus strand): 5'-ACTTGAGAAATAGTGAGTTTTCTGTCCTTCAATTTCCAGGATCTTCTCCAACACAGTGAA[T>C]ATATTACCCATGAAATAACAGTGTTGATTATTTATAACCTTTTGACAATAGTGGAGATGC-3'
Protein context (NP_001202.5, residues 843-863): TLQDLLQHSE[Tyr853His]ITHEITVLII